The following is an entry in ClinVar:

ClinVar aggregate classification (germline): Pathogenic (1 of 4 stars; one submission).

Conditions:
Immunodeficiency 104. Also called: IMMUNODEFICIENCY 104, SEVERE COMBINED; Severe combined immunodeficiency, autosomal recessive, T cell-negative, B cell-positive, NK cell-positive; Severe Combined Immune Deficiency, Autosomal Recessive, TCell -Negative, B Cell-Positive, NK Cell-Positive, IL7R-Related; SCID, AUTOSOMAL RECESSIVE, T CELL-NEGATIVE, B CELL-POSITIVE, NK CELL-POSITIVE. Identifiers: MedGen C5676890, MONDO:0012163, OMIM 608971.

Submission:

Labcorp Genetics (formerly Invitae), Labcorp
Classification: Pathogenic for Immunodeficiency 104. Last evaluated: 2024-12-06. Review status: criteria provided, single submitter. Criteria: Invitae Variant Classification Sherloc (09022015). Collection method: clinical testing. Allele origin: germline.
Comment: This sequence change creates a premature translational stop signal (p.Ala200*) in the PTPRC gene. It is expected to result in an absent or disrupted protein product. Loss-of-function variants in PTPRC are known to be pathogenic (PMID: 10700239). This variant is not present in population databases (gnomAD no frequency). This variant has not been reported in the literature in individuals affected with PTPRC-related conditions. For these reasons, this variant has been classified as Pathogenic.

Literature cited by the submitters: PubMed 10700239.

NM_002838.5(PTPRC):c.594_597dup (p.Ala200Ter)

Gene: PTPRC (protein tyrosine phosphatase receptor type C; plus strand). Cytogenetic location: 1q32.1.
Variant type: Duplication.
Coding change: c.594_597dup on transcript NM_002838.5 (MANE Select); coding-DNA positions 594 to 597, 4 bases duplicated (TAAT; older notation c.594_597dupTAAT).
Protein change: p.Ala200Ter; replaces alanine 200 with a stop codon.
Molecular consequence: nonsense.
Genome position (GRCh38, 1-based): chr1:198,703,308-198,703,311, TAAT duplicated; duplicating any 4 consecutive bases within chr1:198,703,307-198,703,311 gives the same sequence; the c. name uses the placement nearest the transcript's 3' end. VCF-style (leftmost placement, unchanged base first): chr1-198703306-C-CTTAA. GRCh37 (hg19) VCF-style: chr1-198672435-C-CTTAA.
Other names: c.111_114dup, p.Ala39Ter (NM_080921.4); short protein forms A200*, A39*.
Identifiers: ClinVar variation 3726141 (VCV003726141.2).